The following is an entry in ClinVar:

ClinVar aggregate classification (germline): Uncertain significance (1 of 4 stars; one submission).

Submission:

Labcorp Genetics (formerly Invitae), Labcorp
Classification: Uncertain significance. Last evaluated: 2022-07-14. Review status: criteria provided, single submitter. Criteria: Invitae Variant Classification Sherloc (09022015). Collection method: clinical testing. Allele origin: germline.
Comment: This sequence change affects codon 449 of the GTPBP3 mRNA. It is a 'silent' change, meaning that it does not change the encoded amino acid sequence of the GTPBP3 protein. This variant is not present in population databases (gnomAD no frequency). This variant has not been reported in the literature in individuals affected with GTPBP3-related conditions. Algorithms developed to predict the effect of sequence changes on RNA splicing suggest that this variant may create or strengthen a splice site. In summary, the available evidence is currently insufficient to determine the role of this variant in disease. Therefore, it has been classified as a Variant of Uncertain Significance.

NM_032620.4(GTPBP3):c.1251A>G (p.Ala417=)

Gene: GTPBP3 (GTP binding protein 3, mitochondrial; plus strand). Cytogenetic location: 19p13.11.
Variant type: single nucleotide variant.
Coding change: c.1251A>G on transcript NM_032620.4 (MANE Select); coding-DNA position 1251, A replaced by G.
Protein change: p.Ala417=; no amino-acid change (alanine 417 retained).
Molecular consequence: synonymous variant.
Genome position (GRCh38, 1-based): chr19:17,341,320, A>G. VCF-style: chr19-17341320-A-G. GRCh37 (hg19) VCF-style: chr19-17452129-A-G.
Other names: c.1188A>G, p.Ala396= (NM_001128855.3); c.1317A>G, p.Ala439= (NM_001195422.1); c.1347A>G, p.Ala449= (NM_133644.4).
Identifiers: ClinVar variation 2017082 (VCV002017082.4), dbSNP rs2513211345, ClinGen allele CA506099801.